The following is an entry in ClinVar:

ClinVar aggregate classification (germline): Uncertain significance. Review status: criteria provided, multiple submitters, no conflicts (2 of 4 stars). 2 submissions from 2 submitters: Uncertain significance (2). Last evaluated 2024-09-25.

Conditions:
Alstrom syndrome (ALMS). Identifiers: Orphanet 64, MedGen C0268425, MONDO:0008763, OMIM 203800.

Allele frequency attached by ClinVar (database versions not stated): gnomAD exomes below 0.00001.
gnomAD v4.1: 4 of 1,612,790 alleles (0.00025%); highest among the groups gnomAD compares: South Asian, 0.0011%; no homozygotes.

Submissions (2):

Blueprint Genetics
Classification: Uncertain significance. Last evaluated: 2024-09-25. Review status: criteria provided, single submitter. Criteria: ACMG Guidelines, 2015. Collection method: clinical testing. Allele origin: germline.

Labcorp Genetics (formerly Invitae), Labcorp
Classification: Uncertain significance for Alstrom syndrome. Last evaluated: 2022-03-22. Review status: criteria provided, single submitter. Criteria: Invitae Variant Classification Sherloc (09022015). Collection method: clinical testing. Allele origin: germline.
Comment: This sequence change replaces alanine, which is neutral and non-polar, with threonine, which is neutral and polar, at codon 3852 of the ALMS1 protein (p.Ala3852Thr). This variant is present in population databases (no rsID available, gnomAD 0.003%). This variant has not been reported in the literature in individuals affected with ALMS1-related conditions. Algorithms developed to predict the effect of missense changes on protein structure and function output the following: SIFT: "Not Available"; PolyPhen-2: "Not Available"; Align-GVGD: "Not Available". The threonine amino acid residue is found in multiple mammalian species, which suggests that this missense change does not adversely affect protein function. In summary, the available evidence is currently insufficient to determine the role of this variant in disease. Therefore, it has been classified as a Variant of Uncertain Significance.

NM_001378454.1(ALMS1):c.11551G>A (p.Ala3851Thr)

Gene: ALMS1 (ALMS1 centrosome and basal body associated protein; plus strand). Cytogenetic location: 2p13.1.
Variant type: single nucleotide variant.
Coding change: c.11551G>A on transcript NM_001378454.1 (MANE Select); coding-DNA position 11551, G replaced by A.
Protein change: p.Ala3851Thr; replaces alanine 3851 with threonine.
Molecular consequence: missense variant.
Genome position (GRCh38, 1-based): chr2:73,599,404, G>A. VCF-style: chr2-73599404-G-A. GRCh37 (hg19) VCF-style: chr2-73826531-G-A.
Other names: c.11554G>A, p.Ala3852Thr (NM_015120.4); short protein forms A3852T, A3851T.
Identifiers: ClinVar variation 1446190 (VCV001446190.6), dbSNP rs1454003034, ClinGen allele CA347262740.
Genomic context (GRCh38, chr2:73,599,404, plus strand): 5'-GGATAACTGTGACATTGACTGCAGGTAATAATAACAAGATCTCTTTTATTTTTCTAGGTA[G>A]CAAACCATGTGATTTCTTCTGACTCTATTTCCTCTTCTGCCAGTAGTTTCCTGAGCTCAA-3'
Protein context (NP_001365383.1, residues 3841-3861): EHTRRRHIQV[Ala3851Thr]NHVISSDSIS